The following is an entry in ClinVar:

ClinVar aggregate classification (germline): Uncertain significance (1 of 4 stars; one submission).

Conditions:
Ataxia-telangiectasia syndrome (AT). Also called: Cerebello-oculocutaneous telangiectasia; Immunodeficiency with ataxia telangiectasia; Ataxia-telangiectasia, complementation group E; Ataxia-telangiectasia, complementation group D; AT, COMPLEMENTATION GROUP C; ATAXIA-TELANGIECTASIA, COMPLEMENTATION GROUP A. Identifiers: Orphanet 100, MedGen C0004135, MONDO:0008840, OMIM 208900.

Submission:

Labcorp Genetics (formerly Invitae), Labcorp
Classification: Uncertain significance for Ataxia-telangiectasia syndrome. Last evaluated: 2024-07-28. Review status: criteria provided, single submitter. Criteria: Invitae Variant Classification Sherloc (09022015). Collection method: clinical testing. Allele origin: germline.
Comment: This sequence change replaces glutamic acid, which is acidic and polar, with lysine, which is basic and polar, at codon 2366 of the ATM protein (p.Glu2366Lys). This variant is not present in population databases (gnomAD no frequency). This variant has not been reported in the literature in individuals affected with ATM-related conditions. ClinVar contains an entry for this variant (Variation ID: 524278). An algorithm developed to predict the effect of missense changes on protein structure and function outputs the following: PolyPhen-2: "Benign". The lysine amino acid residue is found in multiple mammalian species, which suggests that this missense change does not adversely affect protein function. In summary, the available evidence is currently insufficient to determine the role of this variant in disease. Therefore, it has been classified as a Variant of Uncertain Significance.

NM_000051.4(ATM):c.7096G>A (p.Glu2366Lys)

Genes: ATM (ATM serine/threonine kinase; plus strand), C11orf65 (chromosome 11 open reading frame 65; minus strand). Cytogenetic location: 11q22.3.
Variant type: single nucleotide variant.
Coding change: c.7096G>A on transcript NM_000051.4 (MANE Select); coding-DNA position 7096, G replaced by A.
Protein change: p.Glu2366Lys; replaces glutamic acid 2366 with lysine.
Molecular consequence: missense variant. On other transcripts: intron variant (2).
Genome position (GRCh38, 1-based): chr11:108,329,027, G>A. VCF-style: chr11-108329027-G-A. GRCh37 (hg19) VCF-style: chr11-108199754-G-A.
Other names: c.7096G>A, p.Glu2366Lys (NM_001351834.2); c.641-19956C>T (NM_001330368.2); c.*38+6193C>T (NM_001351110.2); short protein forms E2366K.
Identifiers: ClinVar variation 524278 (VCV000524278.9), dbSNP rs587781672, ClinGen allele CA382559387.